The following is an entry in ClinVar:

ClinVar aggregate classification (germline): Pathogenic (1 of 4 stars; one submission).

Conditions:
Autosomal dominant epilepsy with auditory features. Identifiers: Orphanet 101046, MedGen C1838062, MONDO:0010898.

Submission:

Labcorp Genetics (formerly Invitae), Labcorp
Classification: Pathogenic for Autosomal dominant epilepsy with auditory features. Last evaluated: 2023-07-25. Review status: criteria provided, single submitter. Criteria: Invitae Variant Classification Sherloc (09022015). Collection method: clinical testing. Allele origin: germline.
Comment: For these reasons, this variant has been classified as Pathogenic. This variant disrupts a region of the LGI1 protein in which other variant(s) ( p.Ile547Asnfs*8) have been determined to be pathogenic (PMID: 11810107, 15857855, 18711109). This suggests that this is a clinically significant region of the protein, and that variants that disrupt it are likely to be disease-causing. This variant has not been reported in the literature in individuals affected with LGI1-related conditions. This variant is not present in population databases (gnomAD no frequency). This sequence change creates a premature translational stop signal (p.Tyr368*) in the LGI1 gene. While this is not anticipated to result in nonsense mediated decay, it is expected to disrupt the last 190 amino acid(s) of the LGI1 protein.

Literature cited by the submitters: PubMed 11810107; PubMed 15857855; PubMed 18711109.

NM_005097.4(LGI1):c.1104C>A (p.Tyr368Ter)

Gene: LGI1 (leucine rich glioma inactivated 1; plus strand). Cytogenetic location: 10q23.33.
Variant type: single nucleotide variant.
Coding change: c.1104C>A on transcript NM_005097.4 (MANE Select); coding-DNA position 1104, C replaced by A.
Protein change: p.Tyr368Ter; replaces tyrosine 368 with a stop codon.
Molecular consequence: nonsense. On other transcripts: non-coding transcript variant (1), intron variant (1).
Genome position (GRCh38, 1-based): chr10:93,797,233, C>A. VCF-style: chr10-93797233-C-A. GRCh37 (hg19) VCF-style: chr10-95556990-C-A.
Other names: c.960C>A, p.Tyr320Ter (NM_001308276.2); c.839-516C>A (NM_001308275.2); short protein forms Y368*, Y320*.
Identifiers: ClinVar variation 2746608 (VCV002746608.3), dbSNP rs2059988348, ClinGen allele CA377627725.
Genomic context (GRCh38, chr10:93,797,233, plus strand): 5'-TGCTGACAGTTCAAAAGCTGGTTTTACTACCATTTACAAATGGAACGGAAACGGATTCTA[C>A]TCCCATCAATCCTTACACGCGTGGTACAGGGACACTGATGTGGAATATCTAGAAATAGTC-3'